The following is an entry in ClinVar:

NM_001206927.2(DNAH8):c.10963-1G>A

Genes: DNAH8-AS1 (DNAH8 antisense RNA 1; minus strand), DNAH8 (dynein axonemal heavy chain 8; plus strand). Cytogenetic location: 6p21.2.
Variant type: single nucleotide variant.
Coding change: c.10963-1G>A on transcript NM_001206927.2 (MANE Select); the canonical splice acceptor site of the intron before coding-DNA position 10963, G replaced by A.
Molecular consequence: splice acceptor variant.
Genome position (GRCh38, 1-based): chr6:38,926,054, G>A. VCF-style: chr6-38926054-G-A. GRCh37 (hg19) VCF-style: chr6-38893830-G-A.
Other names: c.10312-1G>A (NM_001371.4).
Identifiers: ClinVar variation 581044 (VCV000581044.11), dbSNP rs376903331, ClinGen allele CA3790885.

ClinVar aggregate classification (germline): Likely pathogenic. Review status: criteria provided, multiple submitters, no conflicts (2 of 4 stars). 3 submissions from 3 submitters: Likely pathogenic (3). Last evaluated 2025-08-12.

Conditions:
DNAH8-related disorder. Also called: DNAH8-related condition.
Spermatogenic failure 46. Identifiers: MedGen C5436799, MONDO:0033673, OMIM 619095.
Primary ciliary dyskinesia. Also called: Ciliary dyskinesia. Identifiers: Orphanet 244, MedGen C0008780, MONDO:0016575, HP:0012265.

Allele frequency attached by ClinVar (database versions not stated): TOPMed 0.00001; gnomAD 0.00002 and 0.00003; ExAC 0.00003; ESP Exome Variant Server 0.00015.
gnomAD v4.1: 24 of 1,612,600 alleles (0.0015%); highest among the groups gnomAD compares: Non-Finnish European, 0.0018%; no homozygotes.

Submissions (3):

Labcorp Genetics (formerly Invitae), Labcorp
Classification: Likely pathogenic for Primary ciliary dyskinesia. Last evaluated: 2025-08-12. Review status: criteria provided, single submitter. Criteria: Invitae Variant Classification Sherloc (09022015). Collection method: clinical testing. Allele origin: germline.
Comment: This sequence change affects an acceptor splice site in intron 73 of the DNAH8 gene. It is expected to disrupt RNA splicing. Variants that disrupt the donor or acceptor splice site typically lead to a loss of protein function (PMID: 16199547), and loss-of-function variants in DNAH8 are known to be pathogenic (PMID: 24307375, 32619401, 32681648). This variant is present in population databases (rs376903331, gnomAD 0.003%). This variant has not been reported in the literature in individuals affected with DNAH8-related conditions. ClinVar contains an entry for this variant (Variation ID: 581044). Algorithms developed to predict the effect of sequence changes on RNA splicing suggest that this variant may disrupt the consensus splice site. In summary, the currently available evidence indicates that the variant is pathogenic, but additional data are needed to prove that conclusively. Therefore, this variant has been classified as Likely Pathogenic.

PreventionGenetics, part of Exact Sciences
Classification: Likely pathogenic for DNAH8-related condition. Last evaluated: 2024-10-18. Review status: criteria provided, single submitter. Criteria: ACMG Guidelines, 2015. Collection method: clinical testing. Allele origin: germline.
Comment: The DNAH8 c.10963-1G>A variant is predicted to disrupt the AG splice acceptor site and interfere with normal splicing. To our knowledge, this variant has not not been reported in the literature. This variant is reported in 0.0033% of alleles in individuals of South Asian descent in gnomAD. Variants that disrupt the consensus splice acceptor site in DNAH8 are expected to be pathogenic. This variant is interpreted as likely pathogenic.

Genomic Medicine Center of Excellence, King Faisal Specialist Hospital and Research Centre
Classification: Likely pathogenic for Spermatogenic failure 46. Last evaluated: 2024-09-22. Review status: criteria provided, single submitter. Criteria: ACMG Guidelines, 2015. Collection method: clinical testing. Allele origin: germline.

Literature cited by the submitters: PubMed 16199547 (cited by Labcorp Genetics (formerly Invitae), Labcorp); PubMed 24307375 (cited by Labcorp Genetics (formerly Invitae), Labcorp); PubMed 32619401 (cited by Labcorp Genetics (formerly Invitae), Labcorp); PubMed 32681648 (cited by Labcorp Genetics (formerly Invitae), Labcorp).